The following is an entry in ClinVar:

NM_001350317.3(TTLL8):c.1035C>T (p.Asp345=)

Gene: TTLL8 (tubulin tyrosine ligase like 8; minus strand). Cytogenetic location: 22q13.33.
Variant type: single nucleotide variant.
Coding change: c.1035C>T on transcript NM_001350317.3 (MANE Select); coding-DNA position 1035, C replaced by T.
Protein change: p.Asp345=; no amino-acid change (aspartic acid 345 retained).
Molecular consequence: synonymous variant.
Genome position (GRCh38, 1-based): chr22:50,034,409, G>A on the plus strand (C>T on the coding strand, the complement: TTLL8 is on the minus strand). VCF-style: chr22-50034409-G-A. GRCh37 (hg19) VCF-style: chr22-50472838-G-A.
Identifiers: ClinVar variation 2653361 (VCV002653361.24), dbSNP rs76786083, ClinGen allele CA10302697.
Genomic context (GRCh38, chr22:50,034,409, plus strand): 5'-GGACTCACCTCGGCCCCGGGACTTGGCCGCGGGCTTTATAATCCAGATGTTCCGGAGCCC[G>A]TCAATGTCCGTCTGAGGGTTCACAGACGTGATTCTATTCAGCAGAGCCTGGCACTGCGAA-3'
Protein context (NP_001337246.1, residues 335-355): ITSVNPQTDI[Asp345=]GLRNIWIIKP

ClinVar aggregate classification (germline): Likely benign (1 of 4 stars; one submission).

Allele frequency attached by ClinVar (database versions not stated): 1000 Genomes Project 30x 0.00297; 1000 Genomes Project 0.00319; TOPMed 0.00456; ESP Exome Variant Server 0.00580; gnomAD 0.00652; ExAC 0.00661; gnomAD exomes 0.00754.
gnomAD v4.1: 10,103 of 1,367,264 alleles (0.74%); highest among the groups gnomAD compares: Non-Finnish European, 0.82%; 50 homozygotes.

Submission:

CeGaT Center for Human Genetics Tuebingen
Classification: Likely benign. Last evaluated: 2023-03-01. Review status: criteria provided, single submitter. Criteria: CeGaT Center For Human Genetics Tuebingen Variant Classification Criteria Version 2. Collection method: clinical testing. Allele origin: germline. Affected: yes. Observed: 4 variant alleles.
Comment: TTLL8: BP4, BP7, BS2